The following is an entry in ClinVar:

NM_181503.3(EXOSC8):c.795G>C (p.Leu265=)

Gene: EXOSC8 (exosome component 8; plus strand). Cytogenetic location: 13q13.3.
Variant type: single nucleotide variant.
Coding change: c.795G>C on transcript NM_181503.3 (MANE Select); coding-DNA position 795, G replaced by C.
Protein change: p.Leu265=; no amino-acid change (leucine 265 retained).
Molecular consequence: synonymous variant.
Genome position (GRCh38, 1-based): chr13:37,009,263, G>C. VCF-style: chr13-37009263-G-C. GRCh37 (hg19) VCF-style: chr13-37583400-G-C.
Other names: c.795G>C (NM_181503.2).
Identifiers: ClinVar variation 2902870 (VCV002902870.5), dbSNP rs776552289, ClinGen allele CA6951364.

ClinVar aggregate classification (germline): Likely benign. Review status: criteria provided, single submitter (1 of 4 stars). 2 submissions from 2 submitters: Likely benign (1). 1 of the submissions does not count toward it. Last evaluated 2025-11-27.

Conditions:
EXOSC8-related disorder. Also called: EXOSC8-related condition.

Allele frequency attached by ClinVar (database versions not stated): gnomAD 0.00005; ExAC 0.00009; TOPMed 0.00006.

Submissions (2):

Labcorp Genetics (formerly Invitae), Labcorp
Classification: Likely benign. Last evaluated: 2025-11-27. Review status: criteria provided, single submitter. Criteria: Invitae Variant Classification Sherloc (09022015). Collection method: clinical testing. Allele origin: germline.

PreventionGenetics, part of Exact Sciences
Classification: Likely benign for EXOSC8-related condition. Last evaluated: 2019-03-14. Review status: no assertion criteria provided. Collection method: clinical testing. Allele origin: germline. Not counted in ClinVar's aggregate classification.
Comment: This variant is classified as likely benign based on ACMG/AMP sequence variant interpretation guidelines (Richards et al. 2015 PMID: 25741868, with internal and published modifications).